The following is an entry in ClinVar:

NM_005585.5(SMAD6):c.1489T>G (p.Ter497Glu)

Gene: SMAD6 (SMAD family member 6; plus strand). Cytogenetic location: 15q22.31.
Variant type: single nucleotide variant.
Coding change: c.1489T>G on transcript NM_005585.5 (MANE Select); coding-DNA position 1489, T replaced by G.
Protein change: p.Ter497Glu.
Molecular consequence: stop lost. On other transcripts: non-coding transcript variant (1).
Genome position (GRCh38, 1-based): chr15:66,781,533, T>G. VCF-style: chr15-66781533-T-G. GRCh37 (hg19) VCF-style: chr15-67073871-T-G.
Identifiers: ClinVar variation 2799209 (VCV002799209.3), dbSNP rs932383465, ClinGen allele CA393202647.

ClinVar aggregate classification (germline): Uncertain significance (1 of 4 stars; one submission).

Conditions:
Aortic valve disease 2 (AOVD2). Identifiers: MedGen C3542024, MONDO:0013902, OMIM 614823.

gnomAD v4.1: 1 of 1,517,062 alleles (0.000066%); highest among the groups gnomAD compares: Non-Finnish European, 0.000088%; no homozygotes.

Submission:

Labcorp Genetics (formerly Invitae), Labcorp
Classification: Uncertain significance for Aortic valve disease 2. Last evaluated: 2023-11-27. Review status: criteria provided, single submitter. Criteria: Invitae Variant Classification Sherloc (09022015). Collection method: clinical testing. Allele origin: germline.
Comment: This sequence change disrupts the translational stop signal of the SMAD6 mRNA. It is expected to extend the length of the SMAD6 protein by 45 additional amino acid residues. This variant is not present in population databases (gnomAD no frequency). This variant has not been reported in the literature in individuals affected with SMAD6-related conditions. Experimental studies and prediction algorithms are not available or were not evaluated, and the functional significance of this variant is currently unknown. In summary, the available evidence is currently insufficient to determine the role of this variant in disease. Therefore, it has been classified as a Variant of Uncertain Significance.